The following is an entry in ClinVar:

NM_001128159.3(VPS53):c.869G>A (p.Trp290Ter)

Gene: VPS53 (VPS53 subunit of GARP complex; minus strand). Cytogenetic location: 17p13.3.
Variant type: single nucleotide variant.
Coding change: c.869G>A on transcript NM_001128159.3 (MANE Select); coding-DNA position 869, G replaced by A.
Protein change: p.Trp290Ter; replaces tryptophan 290 with a stop codon.
Molecular consequence: nonsense.
Genome position (GRCh38, 1-based): chr17:627,279, C>T on the plus strand (G>A on the coding strand, the complement: VPS53 is on the minus strand). VCF-style: chr17-627279-C-T. GRCh37 (hg19) VCF-style: chr17-530519-C-T.
Other names: c.869G>A, p.Trp290Ter (NM_001366253.2); c.275G>A, p.Trp92Ter (NM_001366254.2); c.782G>A, p.Trp261Ter (NM_018289.4); short protein forms W261*, W290*, W92*.
Identifiers: ClinVar variation 1696170 (VCV001696170.3), dbSNP rs370828258, ClinGen allele CA8261622.

ClinVar aggregate classification (germline): Conflicting classifications of pathogenicity. Review status: criteria provided, conflicting classifications (1 of 4 stars). 2 submissions from 2 submitters: Likely pathogenic (1); Uncertain significance (1). Last evaluated 2025-07-25.

Conditions:
Pontocerebellar hypoplasia type 2E. Identifiers: Orphanet 247198, MedGen C4014488, MONDO:0014370, OMIM 615851.

Allele frequency attached by ClinVar (database versions not stated): gnomAD exomes below 0.00001; ExAC 0.00001; TOPMed 0.00001; ESP Exome Variant Server 0.00008.
gnomAD v4.1: 6 of 1,614,018 alleles (0.00037%); highest among the groups gnomAD compares: Non-Finnish European, 0.00051%; no homozygotes.

Submissions (2):

Women's Health and Genetics/Laboratory Corporation of America, LabCorp
Classification: Uncertain significance. Last evaluated: 2025-07-25. Review status: criteria provided, single submitter. Criteria: LabCorp Variant Classification Summary - May 2015. Collection method: clinical testing. Allele origin: germline.
Comment: Variant summary: VPS53 c.869G>A (p.Trp290X) results in a premature termination codon, predicted to cause absence of the protein due to nonsense mediated decay, however current evidence is not sufficient to establish loss of function as a mechanism for disease. The variant allele was found at a frequency of 4e-06 in 251210 control chromosomes (gnomAD). The available data on variant occurrences in the general population are insufficient to allow any conclusion about variant significance. To our knowledge, no occurrence of c.869G>A in individuals affected with Pontocerebellar Hypoplasia, Type 2E and no experimental evidence demonstrating its impact on protein function have been reported. ClinVar contains an entry for this variant (Variation ID: 1696170). Based on the evidence outlined above, the variant was classified as uncertain significance.

Fulgent Genetics
Classification: Likely pathogenic for Pontocerebellar hypoplasia type 2E. Last evaluated: 2024-05-07. Review status: criteria provided, single submitter. Criteria: ACMG Guidelines, 2015. Collection method: clinical testing. Allele origin: germline.